The following is an entry in ClinVar:

ClinVar aggregate classification (germline): Likely benign (1 of 4 stars; one submission).

gnomAD v4.1: 12 of 1,613,788 alleles (0.00074%); highest among the groups gnomAD compares: Middle Eastern, 0.016%; no homozygotes.

Submission:

CeGaT Center for Human Genetics Tuebingen
Classification: Likely benign. Last evaluated: 2026-05-01. Review status: criteria provided, single submitter. Criteria: CeGaT Center For Human Genetics Tuebingen Variant Classification Criteria Version 2. Collection method: clinical testing. Allele origin: germline. Affected: yes. Observed: 2 variant alleles.
Comment: PHF3: BP4, BP7

NM_001370348.2(PHF3):c.2262A>G (p.Ala754=)

Gene: PHF3 (PHD finger protein 3; plus strand). Cytogenetic location: 6q12.
Variant type: single nucleotide variant.
Coding change: c.2262A>G on transcript NM_001370348.2 (MANE Select); coding-DNA position 2262, A replaced by G.
Protein change: p.Ala754=; no amino-acid change (alanine 754 retained).
Molecular consequence: synonymous variant.
Genome position (GRCh38, 1-based): chr6:63,691,809, A>G. VCF-style: chr6-63691809-A-G. GRCh37 (hg19) VCF-style: chr6-64401699-A-G.
Other names: c.1998A>G, p.Ala666= (NM_001370349.2, NM_001290259.2); c.69A>G, p.Ala23= (NM_001370350.2); c.2262A>G, p.Ala754= (NM_015153.4).
Identifiers: ClinVar variation 4681572 (VCV004681572.5).